The following is an entry in ClinVar:

ClinVar aggregate classification (germline): Pathogenic. Review status: criteria provided, multiple submitters, no conflicts (2 of 4 stars). 3 submissions from 3 submitters: Pathogenic (2). 1 of the submissions does not count toward it. Last evaluated 2024-07-01.

Conditions:
Breast-ovarian cancer, familial, susceptibility to, 1 (BROVCA1). Also called: BRCA1 Hereditary Breast and Ovarian Cancer; OVARIAN CANCER, SUSCEPTIBILITY TO. Identifiers: Orphanet 145, MedGen C2676676, MONDO:0011450, OMIM 604370. Disease mechanism: loss of function.
Hereditary cancer-predisposing syndrome. Also called: Tumor predisposition; Neoplastic Syndromes, Hereditary; Hereditary Cancer Syndrome; Hereditary neoplastic syndrome. Identifiers: Orphanet 140162, MedGen C0027672, MeSH D009386, MONDO:0015356.
Hereditary breast ovarian cancer syndrome. Also called: Hereditary breast and ovarian cancer; Hereditary breast and ovarian cancer syndrome; Hereditary breast and ovarian cancer syndrome (HBOC); Breast and ovarian cancer; BRCA1- and BRCA2-Associated Hereditary Breast and Ovarian Cancer; Hereditary breast and/or ovarian cancer syndrome. Identifiers: Orphanet 145, MedGen C0677776, MeSH D061325, MONDO:0003582. Disease mechanism: loss of function.

Submissions (3):

Ambry Genetics
Classification: Pathogenic for Hereditary cancer-predisposing syndrome. Last evaluated: 2024-07-01. Review status: criteria provided, single submitter. Criteria: Ambry Variant Classification Scheme 2023. Collection method: clinical testing. Allele origin: germline.
Comment: The c.4810delC pathogenic mutation, located in coding exon 14 of the BRCA1 gene, results from a deletion of one nucleotide at nucleotide position 4810, causing a translational frameshift with a predicted alternate stop codon (p.Q1604Nfs*2). This variant is considered to be rare based on population cohorts in the Genome Aggregation Database (gnomAD). This alteration is expected to result in loss of function by premature protein truncation or nonsense-mediated mRNA decay. As such, this alteration is interpreted as a disease-causing mutation.

Labcorp Genetics (formerly Invitae), Labcorp
Classification: Pathogenic for Hereditary breast ovarian cancer syndrome. Last evaluated: 2018-09-04. Review status: criteria provided, single submitter. Criteria: Invitae Variant Classification Sherloc (09022015). Collection method: clinical testing. Allele origin: germline.
Comment: This sequence change creates a premature translational stop signal (p.Gln1604Asnfs*2) in the BRCA1 gene. It is expected to result in an absent or disrupted protein product. For these reasons, this variant has been classified as Pathogenic. Loss-of-function variants in BRCA1 are known to be pathogenic (PMID: 20104584). This variant is not present in population databases (ExAC no frequency). This variant has been observed in an individual affected with hereditary cancer (PMID: 24307375). This variant is also known as c.4806del, p.Gln1604Asnfs*2 in the literature. ClinVar contains an entry for this variant (Variation ID: 548837).

Counsyl
Classification: Likely pathogenic for Breast-ovarian cancer, familial, susceptibility to, 1. Last evaluated: 2018-01-09. Review status: no assertion criteria provided. Collection method: clinical testing. Allele origin: unknown. Not counted in ClinVar's aggregate classification.

Literature cited by the submitters: PubMed 20104584 (cited by Labcorp Genetics (formerly Invitae), Labcorp); PubMed 24307375 (cited by Labcorp Genetics (formerly Invitae), Labcorp and Counsyl).

NM_007294.4(BRCA1):c.4810del (p.Gln1604fs)

Gene: BRCA1 (BRCA1 DNA repair associated; minus strand). Cytogenetic location: 17q21.31.
Variant type: Deletion.
Coding change: c.4810del on transcript NM_007294.4 (MANE Select); coding-DNA position 4810, one base deleted (C; older notation c.4810delC).
Protein change: p.Gln1604fs; shifts the reading frame from glutamine 1604.
Molecular consequence: frameshift variant. On other transcripts: non-coding transcript variant (1).
Genome position (GRCh38, 1-based): chr17:43,071,104, G deleted on the plus strand (C on the coding strand, the reverse complement: BRCA1 is on the minus strand); the first of 4 consecutive G bases (chr17:43,071,104-43,071,107); deleting any one gives the same sequence. VCF-style (leftmost placement, unchanged base first): chr17-43071103-TG-T. GRCh37 (hg19) VCF-style: chr17-41223120-TG-T.
Other names: c.4810delC (NM_007294.3); c.4684delC, p.Gln1563Asnfs (NM_001407668.1, NM_001407669.1, NM_001407919.1 and 6 more transcripts); c.4681delC, p.Gln1562Asnfs (NM_001407670.1, NM_001407671.1, NM_001407672.1 and 11 more transcripts); c.4678delC, p.Gln1561Asnfs (NM_001407681.1, NM_001407682.1, NM_001407683.1 and 6 more transcripts); c.4807delC, p.Gln1604Asnfs (NM_001407684.1, NM_001407854.1, NM_001407593.1 and 8 more transcripts); c.4675delC, p.Gln1560Asnfs (NM_001407690.1, NM_001407691.1); c.4666delC, p.Gln1557Asnfs (NM_001407692.1, NM_001407694.1, NM_001407695.1 and 12 more transcripts); c.4663delC, p.Gln1556Asnfs (NM_001407732.1, NM_001407733.1, NM_001407734.1 and 21 more transcripts); and 74 more; short protein forms Q500fs, Q1557fs, Q1604fs, Q1625fs.
Identifiers: ClinVar variation 548837 (VCV000548837.13), dbSNP rs1555580900, ClinGen allele CA658825007.
Genomic context (GRCh38, chr17:43,071,103, plus strand): 5'-CCAGCAGTATCAGTAGTATGAGCAGCAGCTGGACTCTGGGCAGATTCTGCAACTTTCAAT[TG>T]GGGAACTTTCAATGCAGAGGTTGAAGATGGTATGTTGCCAACACGAGCTGACTCTGGGGC-3'